The following is an entry in ClinVar:

NM_000553.6(WRN):c.2171A>G (p.Gln724Arg)

Gene: WRN (WRN RecQ like helicase; plus strand). Cytogenetic location: 8p12.
Variant type: single nucleotide variant.
Coding change: c.2171A>G on transcript NM_000553.6 (MANE Select); coding-DNA position 2171, A replaced by G.
Protein change: p.Gln724Arg; replaces glutamine 724 with arginine.
Molecular consequence: missense variant.
Genome position (GRCh38, 1-based): chr8:31,111,697, A>G. VCF-style: chr8-31111697-A-G. GRCh37 (hg19) VCF-style: chr8-30969213-A-G.
Other names: short protein forms Q724R.
Identifiers: ClinVar variation 963449 (VCV000963449.6), dbSNP rs372795551, ClinGen allele CA4704663.
Genomic context (GRCh38, chr8:31,111,697, plus strand): 5'-CTACTGCAAGTTCTTCAATCCGGGAAGACATTGTACGTTGCTTAAATCTGAGAAATCCTC[A>G]GATCACCTGTACTGGTTTTGATCGACCAAACCTGTATTTAGAAGTTAGGCGAAAAACAGG-3'
Protein context (NP_000544.2, residues 714-734): IVRCLNLRNP[Gln724Arg]ITCTGFDRPN

ClinVar aggregate classification (germline): Uncertain significance (1 of 4 stars; one submission).

Conditions:
Werner syndrome (WRN). Identifiers: Orphanet 902, MedGen C0043119, MONDO:0010196, OMIM 277700.

Allele frequency attached by ClinVar (database versions not stated): gnomAD exomes below 0.00001; ExAC 0.00001; gnomAD 0.00001; TOPMed 0.00001; ESP Exome Variant Server 0.00008.
gnomAD v4.1: 2 of 1,614,002 alleles (0.00012%); highest among the groups gnomAD compares: African/African-American, 0.0027%; no homozygotes.

Submission:

Labcorp Genetics (formerly Invitae), Labcorp
Classification: Uncertain significance for Werner syndrome. Last evaluated: 2022-08-05. Review status: criteria provided, single submitter. Criteria: Invitae Variant Classification Sherloc (09022015). Collection method: clinical testing. Allele origin: germline.
Comment: In summary, the available evidence is currently insufficient to determine the role of this variant in disease. Therefore, it has been classified as a Variant of Uncertain Significance. Algorithms developed to predict the effect of missense changes on protein structure and function output the following: SIFT: "Not Available"; PolyPhen-2: "Benign"; Align-GVGD: "Not Available". The arginine amino acid residue is found in multiple mammalian species, which suggests that this missense change does not adversely affect protein function. ClinVar contains an entry for this variant (Variation ID: 963449). This variant has not been reported in the literature in individuals affected with WRN-related conditions. This variant is present in population databases (rs372795551, gnomAD 0.008%). This sequence change replaces glutamine, which is neutral and polar, with arginine, which is basic and polar, at codon 724 of the WRN protein (p.Gln724Arg).